The following is an entry in ClinVar:

NM_001023570.4(IQCB1):c.919_920insC (p.Gly307fs)

Gene: IQCB1 (IQ motif containing B1; minus strand). Cytogenetic location: 3q13.33.
Variant type: Insertion.
Coding change: c.919_920insC on transcript NM_001023570.4 (MANE Select); coding-DNA positions 919 to 920, C inserted.
Protein change: p.Gly307fs; shifts the reading frame from glycine 307.
Molecular consequence: frameshift variant. On other transcripts: intron variant (1).
Genome position: GRCh38 VCF-style: chr3-121795523-C-CG. GRCh37 (hg19) VCF-style: chr3-121514370-C-CG.
Other names: c.919_920insC, p.Gly307fs (NM_001319107.2); c.588-5309_588-5308insC (NM_001023571.4); short protein forms G307fs.
Identifiers: ClinVar variation 967126 (VCV000967126.10), dbSNP rs772827691, ClinGen allele CA2567246.
Genomic context (GRCh38, chr3:121,795,523, plus strand): 5'-CTCCTCTGCAAAGCAATCACAGCAGATGGAAGCTTCTTTAATCTCTTTCTTGTCTGAAAA[C>CG]CCTTCCAATAGGCTTGAATCAAGCATGCTGCTTGATGTAGTTTCTGAAATGCCGAAAATA-3'

ClinVar aggregate classification (germline): Pathogenic (1 of 4 stars; one submission).

Conditions:
Nephronophthisis. Also called: Juvenile Nephronophthisis. Identifiers: Orphanet 655, MedGen C0687120, MONDO:0019005, HP:0000090.

Allele frequency attached by ClinVar (database versions not stated): gnomAD exomes below 0.00001; ExAC 0.00001; gnomAD 0.00001; 1000 Genomes Project 30x 0.00031.

Submission:

Labcorp Genetics (formerly Invitae), Labcorp
Classification: Pathogenic for Nephronophthisis. Last evaluated: 2019-10-04. Review status: criteria provided, single submitter. Criteria: Invitae Variant Classification Sherloc (09022015). Collection method: clinical testing. Allele origin: germline.
Comment: This sequence change creates a premature translational stop signal (p.Gly307Alafs*35) in the IQCB1 gene. It is expected to result in an absent or disrupted protein product. This variant is present in population databases (rs772827691, ExAC 0.01%). This variant has not been reported in the literature in individuals with IQCB1-related conditions. Loss-of-function variants in IQCB1 are known to be pathogenic (PMID: 15723066, 21901789, 23559409, 28041643). For these reasons, this variant has been classified as Pathogenic.

Literature cited by the submitters: PubMed 15723066; PubMed 21901789; PubMed 23559409; PubMed 28041643.